The following is an entry in ClinVar:

ClinVar aggregate classification (germline): Uncertain significance (1 of 4 stars; one submission).

Submission:

Labcorp Genetics (formerly Invitae), Labcorp
Classification: Uncertain significance. Last evaluated: 2022-08-21. Review status: criteria provided, single submitter. Criteria: Invitae Variant Classification Sherloc (09022015). Collection method: clinical testing. Allele origin: germline.
Comment: In summary, the available evidence is currently insufficient to determine the role of this variant in disease. Therefore, it has been classified as a Variant of Uncertain Significance. Algorithms developed to predict the effect of missense changes on protein structure and function are either unavailable or do not agree on the potential impact of this missense change (SIFT: "Deleterious"; PolyPhen-2: "Probably Damaging"; Align-GVGD: "Class C15"). This variant has not been reported in the literature in individuals affected with HERC1-related conditions. This variant is not present in population databases (gnomAD no frequency). This sequence change replaces leucine, which is neutral and non-polar, with phenylalanine, which is neutral and non-polar, at codon 3607 of the HERC1 protein (p.Leu3607Phe).

NM_003922.4(HERC1):c.10821A>C (p.Leu3607Phe)

Gene: HERC1 (HECT and RLD domain containing E3 ubiquitin protein ligase family member 1; minus strand). Cytogenetic location: 15q22.31.
Variant type: single nucleotide variant.
Coding change: c.10821A>C on transcript NM_003922.4 (MANE Select); coding-DNA position 10821, A replaced by C.
Protein change: p.Leu3607Phe; replaces leucine 3607 with phenylalanine.
Molecular consequence: missense variant.
Genome position (GRCh38, 1-based): chr15:63,648,126, T>G on the plus strand (A>C on the coding strand, the complement: HERC1 is on the minus strand). VCF-style: chr15-63648126-T-G. GRCh37 (hg19) VCF-style: chr15-63940325-T-G.
Other names: short protein forms L3607F.
Identifiers: ClinVar variation 1717311 (VCV001717311.5), dbSNP rs375114477, ClinGen allele CA392751648.